The following is an entry in ClinVar:

NM_032620.4(GTPBP3):c.1156C>G (p.Pro386Ala)

Gene: GTPBP3 (GTP binding protein 3, mitochondrial; plus strand). Cytogenetic location: 19p13.11.
Variant type: single nucleotide variant.
Coding change: c.1156C>G on transcript NM_032620.4 (MANE Select); coding-DNA position 1156, C replaced by G.
Protein change: p.Pro386Ala; replaces proline 386 with alanine.
Molecular consequence: missense variant.
Genome position (GRCh38, 1-based): chr19:17,341,225, C>G. VCF-style: chr19-17341225-C-G. GRCh37 (hg19) VCF-style: chr19-17452034-C-G.
Other names: c.1093C>G, p.Pro365Ala (NM_001128855.3); c.1222C>G, p.Pro408Ala (NM_001195422.1); c.1252C>G, p.Pro418Ala (NM_133644.4); short protein forms P365A, P386A, P408A, P418A.
Identifiers: ClinVar variation 3900897 (VCV003900897.1).
Genomic context (GRCh38, chr19:17,341,225, plus strand): 5'-AGCCAGCGCCTCCTCCTGGTGCTGAACAAGTCGGACCTGCTGTCCCCGGAGGGCCCAGGT[C>G]CCGGTCCTGACCTGCCCCCGCACCTGCTGCTGTCCTGTCTGACGGGAGAGGGGCTGGACG-3'
Protein context (NP_116009.2, residues 376-396): SDLLSPEGPG[Pro386Ala]GPDLPPHLLL

ClinVar aggregate classification (germline): Uncertain significance (1 of 4 stars; one submission).

gnomAD v4.1: 5 of 1,608,270 alleles (0.00031%); highest among the groups gnomAD compares: Middle Eastern, 0.017%; no homozygotes.

Submission:

GeneDx
Classification: Uncertain significance. Last evaluated: 2024-12-02. Review status: criteria provided, single submitter. Criteria: GeneDx Variant Classification Process June 2021. Collection method: clinical testing. Allele origin: germline. Affected: yes.
Comment: Not observed at significant frequency in large population cohorts (gnomAD); In silico analysis indicates that this missense variant does not alter protein structure/function; Has not been previously published as pathogenic or benign to our knowledge; In silico analysis suggests this variant may impact gene splicing. In the absence of RNA/functional studies, the actual effect of this sequence change is unknown.